The following is an entry in ClinVar:

NM_001244008.2(KIF1A):c.2908C>T (p.Arg970Cys)

Gene: KIF1A (kinesin family member 1A; minus strand). Cytogenetic location: 2q37.3.
Variant type: single nucleotide variant.
Coding change: c.2908C>T on transcript NM_001244008.2 (MANE Select); coding-DNA position 2908, C replaced by T.
Protein change: p.Arg970Cys; replaces arginine 970 with cysteine.
Molecular consequence: missense variant.
Genome position (GRCh38, 1-based): chr2:240,750,498, G>A on the plus strand (C>T on the coding strand, the complement: KIF1A is on the minus strand). VCF-style: chr2-240750498-G-A. GRCh37 (hg19) VCF-style: chr2-241689915-G-A.
Other names: c.2632C>T, p.Arg878Cys (NM_001320705.2, NM_001330289.2, NM_001379638.1); c.2707C>T, p.Arg903Cys (NM_001330290.2, NM_001379634.1, NM_001379635.1 and 1 more transcripts); c.2983C>T, p.Arg995Cys (NM_001379631.1); c.2857C>T, p.Arg953Cys (NM_001379632.1); c.2881C>T, p.Arg961Cys (NM_001379633.1, NM_001379642.1, NM_001379645.1); c.2605C>T, p.Arg869Cys (NM_001379636.1, NM_001379639.1, NM_001379640.1 and 6 more transcripts); c.2680C>T, p.Arg894Cys (NM_001379637.1, NM_001379648.1); short protein forms R869C, R970C, R903C, R878C, R894C, R953C, R961C, R995C.
Identifiers: ClinVar variation 218551 (VCV000218551.11), dbSNP rs864309570, ClinGen allele CA249179.
Genomic context (GRCh38, chr2:240,750,498, plus strand): 5'-CCTGGACGGCCACGCGGAGGAAGCCCTTCACCTCGCCCTTCTCGCTGACGATTGCCACAC[G>A]GTGTACCAGGGGAACGGGGTACAGCAGGTTGCTCAGGTACACGAAGGCCCTGGGGAGAAG-3'
Protein context (NP_001230937.1, residues 960-980): NLLYPVPLVH[Arg970Cys]VAIVSEKGEV

ClinVar aggregate classification (germline): Conflicting classifications of pathogenicity. Review status: criteria provided, conflicting classifications (1 of 4 stars). 4 submissions from 4 submitters: Uncertain significance (3); Likely benign (1). Last evaluated 2026-01-31.

Conditions:
Hereditary spastic paraplegia 30. Identifiers: Orphanet 101010, MedGen C5235139, MONDO:0012476.
Neuropathy, hereditary sensory, type 2C. Also called: KIF1A-Related HSAN2 (HSAN2C); Hereditary sensory and autonomic neuropathy type IIC. Identifiers: Orphanet 970, MedGen C3280168, MONDO:0013634, OMIM 614213.
Intellectual disability, autosomal dominant 9 (NESCAVS). Also called: NESCAV SYNDROME; KIF1A-Related Neurodevelopmental Disorder. Identifiers: Orphanet 662367, MedGen C5393830, MONDO:0013656, OMIM 614255.
Inborn genetic diseases. Identifiers: MedGen C0950123, MeSH D030342.

Allele frequency attached by ClinVar (database versions not stated): TOPMed 0.00001; gnomAD 0.00002; gnomAD exomes 0.00002.
gnomAD v4.1: 12 of 1,613,804 alleles (0.00074%); highest among the groups gnomAD compares: African/African-American, 0.008%; no homozygotes.

Submissions (4):

Labcorp Genetics (formerly Invitae), Labcorp
Classification: Likely benign for Hereditary spastic paraplegia 30; Neuropathy, hereditary sensory, type 2C; Intellectual disability, autosomal dominant 9. Last evaluated: 2026-01-31. Review status: criteria provided, single submitter. Criteria: Invitae Variant Classification Sherloc (09022015). Collection method: clinical testing. Allele origin: germline.

GeneDx
Classification: Uncertain significance. Last evaluated: 2023-02-23. Review status: criteria provided, single submitter. Criteria: GeneDx Variant Classification Process June 2021. Collection method: clinical testing. Allele origin: germline. Affected: yes.
Comment: In silico analysis supports that this missense variant has a deleterious effect on protein structure/function; Has not been previously published as pathogenic or benign to our knowledge

Ambry Genetics
Classification: Uncertain significance for Inborn genetic diseases. Last evaluated: 2020-11-04. Review status: criteria provided, single submitter. Criteria: Ambry Variant Classification Scheme 2023. Collection method: clinical testing. Allele origin: germline.
Comment: The p.R970C variant (also known as c.2908C>T), located in coding exon 27 of the KIF1A gene, results from a C to T substitution at nucleotide position 2908. The arginine at codon 970 is replaced by cysteine, an amino acid with highly dissimilar properties. This amino acid position is well conserved in available vertebrate species. In addition, the in silico prediction for this alteration is inconclusive. Since supporting evidence is limited at this time, the clinical significance of this alteration remains unclear.

Genomic Diagnostic Laboratory, Division of Genomic Diagnostics, Children's Hospital of Philadelphia
Classification: Uncertain significance. Last evaluated: 2015-05-12. Review status: criteria provided, single submitter. Criteria: DGD Variant Analysis Guidelines. Collection method: clinical testing. Allele origin: unknown.